The following is an entry in ClinVar:

ClinVar aggregate classification (germline): Uncertain significance (1 of 4 stars; one submission).

Conditions:
Inborn genetic diseases. Identifiers: MedGen C0950123, MeSH D030342.

Submission:

Ambry Genetics
Classification: Uncertain significance for Inborn genetic diseases. Last evaluated: 2025-12-29. Review status: criteria provided, single submitter. Criteria: Ambry Variant Classification Scheme 2023. Collection method: clinical testing. Allele origin: germline.
Comment: The p.G353C variant (also known as c.1057G>T), located in coding exon 10 of the DDX41 gene, results from a G to T substitution at nucleotide position 1057. The glycine at codon 353 is replaced by cysteine, an amino acid with highly dissimilar properties. This amino acid position is conserved. In addition, this alteration is predicted to be deleterious by in silico analysis. Based on the available evidence, the clinical significance of this variant remains unclear.

NM_016222.4(DDX41):c.1057G>T (p.Gly353Cys)

Gene: DDX41 (DEAD-box helicase 41; minus strand). Cytogenetic location: 5q35.3.
Variant type: single nucleotide variant.
Coding change: c.1057G>T on transcript NM_016222.4 (MANE Select); coding-DNA position 1057, G replaced by T.
Protein change: p.Gly353Cys; replaces glycine 353 with cysteine.
Molecular consequence: missense variant.
Genome position (GRCh38, 1-based): chr5:177,513,726, C>A on the plus strand (G>T on the coding strand, the complement: DDX41 is on the minus strand). VCF-style: chr5-177513726-C-A. GRCh37 (hg19) VCF-style: chr5-176940727-C-A.
Other names: c.679G>T, p.Gly227Cys (NM_001321732.2, NM_001321830.2); short protein forms G353C, G227C.
Identifiers: ClinVar variation 4841797 (VCV004841797.1).